The following is an entry in ClinVar:

NM_014391.3(ANKRD1):c.47G>T (p.Gly16Val)

Gene: ANKRD1 (ankyrin repeat domain 1; minus strand). Cytogenetic location: 10q23.31.
Variant type: single nucleotide variant.
Coding change: c.47G>T on transcript NM_014391.3 (MANE Select); coding-DNA position 47, G replaced by T.
Protein change: p.Gly16Val; replaces glycine 16 with valine.
Molecular consequence: missense variant.
Genome position (GRCh38, 1-based): chr10:90,920,329, C>A on the plus strand (G>T on the coding strand, the complement: ANKRD1 is on the minus strand). VCF-style: chr10-90920329-C-A. GRCh37 (hg19) VCF-style: chr10-92680086-C-A.
Other names: short protein forms G16V.
Identifiers: ClinVar variation 3866161 (VCV003866161.1).
Genomic context (GRCh38, chr10:90,920,329, plus strand): 5'-GCAGCTTCATACTCTCCATCTCTGAAATCCTCAGGAAGGAATTCCCCTGCCTCCCCATTG[C>A]CATTCTTCTTTCCAGTGACCTATGAGGGAAGAAGATGGCAGCGTCAGAAGCAGCAGCCTC-3'
Protein context (NP_055206.2, residues 6-26): VEELVTGKKN[Gly16Val]NGEAGEFLPE

ClinVar aggregate classification (germline): Uncertain significance (1 of 4 stars; one submission).

Conditions:
Cardiovascular phenotype. Identifiers: MedGen CN230736.

Submission:

Ambry Genetics
Classification: Uncertain significance for Cardiovascular phenotype. Last evaluated: 2025-01-19. Review status: criteria provided, single submitter. Criteria: Ambry Variant Classification Scheme 2023. Collection method: clinical testing. Allele origin: germline.
Comment: The p.G16V variant (also known as c.47G>T), located in coding exon 2 of the ANKRD1 gene, results from a G to T substitution at nucleotide position 47. The glycine at codon 16 is replaced by valine, an amino acid with dissimilar properties. This amino acid position is conserved. In addition, this alteration is predicted to be tolerated by in silico analysis. Based on the available evidence, the clinical significance of this variant remains unclear.